The following is an entry in ClinVar:

ClinVar aggregate classification (germline): Likely benign (0 of 4 stars; one submission).

Conditions:
KIRREL3-related disorder. Also called: KIRREL3-related condition.

Allele frequency attached by ClinVar (database versions not stated): ExAC 0.00007; ESP Exome Variant Server 0.00008; 1000 Genomes Project 30x 0.00016; 1000 Genomes Project 0.00020; TOPMed 0.00023; gnomAD 0.00024.
gnomAD v4.1: 76 of 1,613,504 alleles (0.0047%); highest among the groups gnomAD compares: African/African-American, 0.073%; no homozygotes.

Submission:

PreventionGenetics, part of Exact Sciences
Classification: Likely benign for KIRREL3-related condition. Last evaluated: 2019-08-06. Review status: no assertion criteria provided. Collection method: clinical testing. Allele origin: germline.
Comment: This variant is classified as likely benign based on ACMG/AMP sequence variant interpretation guidelines (Richards et al. 2015 PMID: 25741868, with internal and published modifications).

NM_032531.4(KIRREL3):c.1588+4C>T

Gene: KIRREL3 (kirre like nephrin family adhesion molecule 3; minus strand). Cytogenetic location: 11q24.2.
Variant type: single nucleotide variant.
Coding change: c.1588+4C>T on transcript NM_032531.4 (MANE Select); 4 bases into the intron after coding-DNA position 1588, C replaced by T.
Molecular consequence: intron variant.
Genome position (GRCh38, 1-based): chr11:126,435,264, G>A on the plus strand (C>T on the coding strand, the complement: KIRREL3 is on the minus strand). VCF-style: chr11-126435264-G-A. GRCh37 (hg19) VCF-style: chr11-126305159-G-A.
Other names: c.1588+4C>T (NM_001441257.1, NM_001441258.1, NM_001441253.1 and 1 more transcripts); c.1402+1547C>T (NM_001441262.1); c.1552+1547C>T (NM_001441261.1, NM_001301097.2, NM_001441251.1 and 1 more transcripts); c.1591+1547C>T (NM_001441256.1); c.1627+4C>T (NM_001441254.1, NM_001441263.1); c.1696+4C>T (NM_001441252.1); c.1510+1547C>T (NM_001441260.1); c.1546+4C>T (NM_001441259.1, NM_001441255.1).
Identifiers: ClinVar variation 3034986 (VCV003034986.2), dbSNP rs370486618, ClinGen allele CA6355830.
Genomic context (GRCh38, chr11:126,435,264, plus strand): 5'-CCCCAGCTAGCCAGGAAGTCCCTTCCCCCCTTCCCAGGGCCATTCTCATCATCTCCTTCC[G>A]TACCTGCTTCCAGCCCGGCTCCCGACTTCATTTCCGAACCTGTTTGGAAATAAAGCAAGC-3'